The following is an entry in ClinVar:

NM_000256.3(MYBPC3):c.2069G>T (p.Gly690Val)

Gene: MYBPC3 (myosin binding protein C3; minus strand). Cytogenetic location: 11p11.2.
Variant type: single nucleotide variant.
Coding change: c.2069G>T on transcript NM_000256.3 (MANE Select); coding-DNA position 2069, G replaced by T.
Protein change: p.Gly690Val; replaces glycine 690 with valine.
Molecular consequence: missense variant.
Genome position (GRCh38, 1-based): chr11:47,339,403, C>A on the plus strand (G>T on the coding strand, the complement: MYBPC3 is on the minus strand). VCF-style: chr11-47339403-C-A. GRCh37 (hg19) VCF-style: chr11-47360954-C-A.
Other names: short protein forms G690V.
Identifiers: ClinVar variation 3297225 (VCV003297225.1).

ClinVar aggregate classification (germline): Uncertain significance (1 of 4 stars; one submission).

Conditions:
Cardiovascular phenotype. Identifiers: MedGen CN230736.

Submission:

Ambry Genetics
Classification: Uncertain significance for Cardiovascular phenotype. Last evaluated: 2024-05-24. Review status: criteria provided, single submitter. Criteria: Ambry Variant Classification Scheme 2023. Collection method: clinical testing. Allele origin: germline.
Comment: The p.G690V variant (also known as c.2069G>T), located in coding exon 22 of the MYBPC3 gene, results from a G to T substitution at nucleotide position 2069. The glycine at codon 690 is replaced by valine, an amino acid with dissimilar properties. This amino acid position is conserved. In addition, this alteration is predicted to be tolerated by in silico analysis. Based on the available evidence, the clinical significance of this variant remains unclear.